The following is an entry in ClinVar:

ClinVar aggregate classification (germline): Uncertain significance (1 of 4 stars; one submission).

Submission:

GeneDx
Classification: Uncertain significance. Last evaluated: 2025-03-25. Review status: criteria provided, single submitter. Criteria: GeneDx Variant Classification Process June 2021. Collection method: clinical testing. Allele origin: germline. Affected: yes.
Comment: In silico analysis supports that this missense variant has a deleterious effect on protein structure/function; Has not been previously published as pathogenic or benign to our knowledge; This substitution is predicted to be within the cytoplasmic loop between the first and second homologous domains

NM_001330260.2(SCN8A):c.1877C>T (p.Ser626Phe)

Gene: SCN8A (sodium voltage-gated channel alpha subunit 8; plus strand). Cytogenetic location: 12q13.13.
Variant type: single nucleotide variant.
Coding change: c.1877C>T on transcript NM_001330260.2 (MANE Select); coding-DNA position 1877, C replaced by T.
Protein change: p.Ser626Phe; replaces serine 626 with phenylalanine.
Molecular consequence: missense variant.
Genome position (GRCh38, 1-based): chr12:51,721,787, C>T. VCF-style: chr12-51721787-C-T. GRCh37 (hg19) VCF-style: chr12-52115571-C-T.
Other names: c.1877C>T, p.Ser626Phe (NM_001177984.3, NM_001369788.1, NM_014191.4); short protein forms S626F.
Identifiers: ClinVar variation 4088250 (VCV004088250.1).